The following is an entry in ClinVar:

ClinVar aggregate classification (germline): Pathogenic (1 of 4 stars; one submission).

Conditions:
Congenital myasthenic syndrome 11. Also called: Myasthenic syndrome, congenital, 11, associated with acetylcholine receptor deficiency; MYASTHENIC SYNDROME, CONGENITAL, Ie. Identifiers: Orphanet 590, MedGen C4225367, MONDO:0014588, OMIM 616326.
Fetal akinesia deformation sequence 1 (FADS1). Also called: Fetal akinesia sequence; Pena-Shokeir syndrome type I. Identifiers: Orphanet 994, MedGen C1276035, MONDO:0100101, OMIM 208150, HP:0001989.

gnomAD v4.1: 5 of 1,560,356 alleles (0.00032%); highest among the groups gnomAD compares: South Asian, 0.0059%; no homozygotes.

Submission:

Labcorp Genetics (formerly Invitae), Labcorp
Classification: Pathogenic for Congenital myasthenic syndrome 11; Fetal akinesia deformation sequence 1. Last evaluated: 2026-01-14. Review status: criteria provided, single submitter. Criteria: Invitae Variant Classification Sherloc (09022015). Collection method: clinical testing. Allele origin: germline.
Comment: This sequence change affects a donor splice site in intron 7 of the RAPSN gene. While this variant is not anticipated to result in nonsense mediated decay, it likely alters RNA splicing and results in a disrupted protein product. The frequency data for this variant in the population databases is considered unreliable, as metrics indicate poor data quality at this position in the gnomAD database. Disruption of this splice site has been observed in individual(s) with RAPSN-related conditions (PMID: 30266093). ClinVar contains an entry for this variant (Variation ID: 2152107). Variants that disrupt the consensus splice site are a relatively common cause of aberrant splicing (PMID: 17576681, 9536098). Algorithms developed to predict the effect of sequence changes on RNA splicing suggest that this variant may disrupt the consensus splice site. This variant disrupts a region of the RAPSN protein in which other variant(s) (p.Thr396Profs*12) have been determined to be pathogenic (PMID: 26782015, 29054425). This suggests that this is a clinically significant region of the protein, and that variants that disrupt it are likely to be disease-causing. For these reasons, this variant has been classified as Pathogenic.

Literature cited by the submitters: PubMed 30266093; PubMed 17576681; PubMed 9536098; PubMed 26782015; PubMed 29054425.

NM_005055.5(RAPSN):c.1166+1G>C

Gene: RAPSN (receptor associated protein of the synapse; minus strand). Cytogenetic location: 11p11.2.
Variant type: single nucleotide variant.
Coding change: c.1166+1G>C on transcript NM_005055.5 (MANE Select); the canonical splice donor site of the intron after coding-DNA position 1166, G replaced by C.
Molecular consequence: splice donor variant.
Genome position (GRCh38, 1-based): chr11:47,438,731, C>G on the plus strand (G>C on the coding strand, the complement: RAPSN is on the minus strand). VCF-style: chr11-47438731-C-G. GRCh37 (hg19) VCF-style: chr11-47460282-C-G.
Other names: c.989+1G>C (NM_032645.5).
Identifiers: ClinVar variation 2152107 (VCV002152107.4), dbSNP rs1325133502, ClinGen allele CA380326993.